The following is an entry in ClinVar:

NM_001267550.2(TTN):c.42947-2A>G

Gene: TTN (titin; minus strand). Cytogenetic location: 2q31.2.
Variant type: single nucleotide variant.
Coding change: c.42947-2A>G on transcript NM_001267550.2 (MANE Select); the canonical splice acceptor site of the intron before coding-DNA position 42947, A replaced by G.
Molecular consequence: splice acceptor variant.
Genome position (GRCh38, 1-based): chr2:178,633,328, T>C on the plus strand (A>G on the coding strand, the complement: TTN is on the minus strand). VCF-style: chr2-178633328-T-C. GRCh37 (hg19) VCF-style: chr2-179498055-T-C.
Other names: c.15752-2A>G (NM_003319.4); c.16328-2A>G (NM_133437.4); c.16127-2A>G (NM_133432.3); c.35243-2A>G (NM_133378.4); c.38024-2A>G (NM_001256850.1).
Identifiers: ClinVar variation 505135 (VCV000505135.5), dbSNP rs1553741357, ClinGen allele CA349653124.
Genomic context (GRCh38, chr2:178,633,328, plus strand): 5'-TGTTTCACCAACAAACACCTCTACTCCGTACAGAGGCTTTTCCACTTTTATTAGTCGAGC[T>C]GAAATGATACAGTTTTGTTAGCATGACTGAACTAATAAACTGCAGATTCAGATAGGGTAA-3'

ClinVar aggregate classification (germline): Uncertain significance (1 of 4 stars; one submission).

Allele frequency attached by ClinVar (database versions not stated): gnomAD exomes below 0.00001.

Submission:

Laboratory for Molecular Medicine, Mass General Brigham Personalized Medicine
Classification: Uncertain significance. Last evaluated: 2017-12-22. Review status: criteria provided, single submitter. Criteria: LMM Criteria. Collection method: clinical testing. Allele origin: germline. Observed: 5 variant alleles.
Comment: Variant classified as Uncertain Significance - Favor Pathogenic. The c.35243-2A> G variant in TTN has been reported in at least 1 individual with DCM, (reported as c.38024-2A>G, Herman 2012), and was absent from large population studies. Thi s variant occurs in the invariant region (+/- 1,2) of the splice consensus seque nce and is predicted to cause altered splicing leading to an abnormal or absent protein. Nonsense, frameshift, and other truncating variants in TTN are strongl y associated with DCM if they impact the exons encoding for the A-band (Herman 2 012, Pugh 2014) and/or are located in an exon that is highly expressed in the he art (Roberts 2015). The c.35243-2A>G variant is located in I-band adjacent to th e highly expressed exon 182. In summary, while there is some suspicion for a pa thogenic role, the clinical significance of the c.35243-2A>G variant is uncertai n.

Literature cited by the submitters: PubMed 22335739.